The following is an entry in ClinVar:

NM_001139498.2(FGF13):c.-32C>G

Gene: FGF13 (fibroblast growth factor 13; minus strand). Cytogenetic location: Xq27.1.
Variant type: single nucleotide variant.
Coding change: c.-32C>G on transcript NM_001139498.2; 32 bases upstream of the start codon, C replaced by G.
Molecular consequence: 5 prime UTR variant.
Genome position (GRCh38, 1-based): chrX:139,204,139, G>C on the plus strand (C>G on the coding strand, the complement: FGF13 is on the minus strand). VCF-style: chrX-139204139-G-C. GRCh37 (hg19) VCF-style: chrX-138286301-G-C.
Other names: -32C-G; c.-32C>G (NM_001139500.2); c.-229C>G (NM_001139501.2).
Identifiers: ClinVar variation 2443855 (VCV002443855.3), dbSNP rs757803941, ClinGen allele CA10529649.

ClinVar aggregate classification (germline): Conflicting classifications of pathogenicity. Review status: no assertion criteria provided (0 of 4 stars). 2 submissions from 2 submitters: Pathogenic (1); Uncertain significance (1). Last evaluated 2026-06-26.

Conditions:
Intellectual developmental disorder, X-linked 110 (XLID110). Identifiers: MedGen C5774180, MONDO:0859086, OMIM 301095.

Allele frequency attached by ClinVar (database versions not stated): gnomAD exomes 0.00004; TOPMed 0.00011; gnomAD 0.00004; ExAC 0.00017; 1000 Genomes Project 30x 0.00021; 1000 Genomes Project 0.00026.
gnomAD v4.1: 45 of 1,185,639 alleles (0.0038%); highest among the groups gnomAD compares: East Asian, 0.12%; no homozygotes.

Submissions (2):

OMIM
Classification: Pathogenic for INTELLECTUAL DEVELOPMENTAL DISORDER, X-LINKED 110. Last evaluated: 2026-06-26. Review status: no assertion criteria provided. Collection method: literature only. Allele origin: germline.

Department of Prenatal Diagnosis, Henan Provincial People’s Hospital
Classification: Uncertain significance for Intellectual developmental disorder, X-linked 110. Review status: no assertion criteria provided. Collection method: clinical testing. Allele origin: germline. Inheritance: X-linked recessive inheritance. Affected: no. Observed: 1 hemizygote.
Comment: In prenatal diagnostic practice, we identified the FGF13 gene variant c.-32C>G (NM_001139498.2) across five independent families. Familial segregation analysis identified six adult male hemizygotes and four pediatric male hemizygotes carrying this variant. Clinical assessments indicated that none of these individuals exhibited phenotypic manifestations such as intellectual disability, autism, or speech impairment. This variant has a carrier frequency of 0.125% within the East Asian population according to gnomAD, which includes 11 documented male hemizygotes, suggesting its presence at a notable frequency in the general population. Prior research [PMID: 34184986] has shown that this variant leads to reduced levels of FGF13 protein translation; however, the relationship between decreased protein expression and the manifestation of clinical symptoms remains unclear. Considering the observation of phenotypically normal male hemizygotes across multiple families and its relatively high frequency in the population, we conclude that the evidence supporting its pathogenic association with X-linked intellectual disability type 110 (OMIM: 301095) is insufficient. Therefore, the FGF13 c.-32C>G variant should be classified as a variant of uncertain significance (PS3-supporting+ BS4). Further validation through expanded population studies, functional investigations, and longitudinal phenotypic tracking is required to clarify its clinical significance.

Literature cited by the submitters: PubMed 34184986 (cited by OMIM and Department of Prenatal Diagnosis, Henan Provincial People’s Hospital).